The following is an entry in ClinVar:

NM_001018111.3(PODXL):c.66GTCGCC[8] (p.Ser31_Gln32insProSerProSerProSerProSer)

Genes: PODXL (podocalyxin like; minus strand), LOC129999375 (ATAC-STARR-seq lymphoblastoid silent region 18663; plus strand). Cytogenetic location: 7q32.3.
Variant type: Microsatellite.
Coding change: c.66GTCGCC[8] on transcript NM_001018111.3 (MANE Select); eight copies in a row of the 6-base unit GTCGCC starting at c.66; the reference has four copies in a row; four copies, 24 bases duplicated.
Protein change: p.Ser31_Gln32insProSerProSerProSerProSer.
Molecular consequence: inframe insertion.
Genome position (GRCh38, 1-based): chr7:131,556,271-131,556,294, GGCGACGGCGACGGCGACGGCGAC duplicated on the plus strand (GTCGCCGTCGCCGTCGCCGTCGCC on the coding strand, the reverse complement: PODXL is on the minus strand); duplicating any 24 consecutive bases within chr7:131,556,271-131,556,295 gives the same sequence; the position shown is the placement nearest the transcript's 3' end. VCF-style (leftmost placement, unchanged base first): chr7-131556270-G-GGGCGACGGCGACGGCGACGGCGAC. GRCh37 (hg19) VCF-style: chr7-131241029-G-GGGCGACGGCGACGGCGACGGCGAC.
Other names: c.66GTCGCC[8], p.Ser31_Gln32insProSerProSerProSerProSer (NM_005397.4).
Identifiers: ClinVar variation 4800165 (VCV004800165.1).
Genomic context (GRCh38, chr7:131,556,270, plus strand): 5'-GGCACATGGGCACGGTGGGAGTCCCGGCGGAACCCAGGCCGGCCACTCACCATTCTGGGA[G>GGGCGACGGCGACGGCGACGGCGAC]GGCGACGGCGACGGCGACGGCGACGACGGCAGCAGCGGCGGCGTTGACAACAGTAGCAGC-3'

ClinVar aggregate classification (germline): Uncertain significance (1 of 4 stars; one submission).

Submission:

Labcorp Genetics (formerly Invitae), Labcorp
Classification: Uncertain significance. Last evaluated: 2025-10-21. Review status: criteria provided, single submitter. Criteria: Invitae Variant Classification Sherloc (09022015). Collection method: clinical testing. Allele origin: germline.
Comment: This variant, c.66_89dup, results in the insertion of 8 amino acid(s) of the PODXL protein (p.Pro24_Ser31dup), but otherwise preserves the integrity of the reading frame. This variant is present in population databases (no rsID available, gnomAD 0.01%). This variant has not been reported in the literature in individuals affected with PODXL-related conditions. Experimental studies and prediction algorithms are not available or were not evaluated, and the functional significance of this variant is currently unknown. In summary, the available evidence is currently insufficient to determine the role of this variant in disease. Therefore, it has been classified as a Variant of Uncertain Significance.